The following is an entry in ClinVar:

ClinVar aggregate classification (germline): Uncertain significance. Review status: criteria provided, multiple submitters, no conflicts (2 of 4 stars). 6 submissions from 6 submitters: Uncertain significance (6). Last evaluated 2025-08-21.

Conditions:
Aortic aneurysm, familial thoracic 4 (AAT4). Also called: AORTIC ANEURYSM/AORTIC DISSECTION AND PATENT DUCTUS ARTERIOSUS. Identifiers: MedGen C1851504, MONDO:0007568, OMIM 132900.
Visceral myopathy 2. Identifiers: MedGen C5543466, MONDO:0859157, OMIM 619350.
Megacystis-microcolon-intestinal hypoperistalsis syndrome 2. Identifiers: MedGen C5543476, MONDO:0025708, OMIM 619351.
Familial thoracic aortic aneurysm and aortic dissection (TAAD). Also called: Thoracic aortic aneurysms and dissections. Identifiers: Orphanet 91387, MedGen C4707243, MONDO:0019625.

Allele frequency attached by ClinVar (database versions not stated): gnomAD exomes 0.00001; TOPMed 0.00002.
gnomAD v4.1: 12 of 1,613,870 alleles (0.00074%); highest among the groups gnomAD compares: African/African-American, 0.0013%; no homozygotes.

Submissions (6):

Ambry Genetics
Classification: Uncertain significance for Familial thoracic aortic aneurysm and aortic dissection. Last evaluated: 2025-08-21. Review status: criteria provided, single submitter. Criteria: Ambry Variant Classification Scheme 2023. Collection method: clinical testing. Allele origin: germline.
Comment: The p.V407A variant (also known as c.1220T>C), located in coding exon 10 of the MYH11 gene, results from a T to C substitution at nucleotide position 1220. The valine at codon 407 is replaced by alanine, an amino acid with similar properties. This amino acid position is not well conserved in available vertebrate species. In addition, this alteration is predicted to be tolerated by in silico analysis. Based on the available evidence, the clinical significance of this variant remains unclear.

Labcorp Genetics (formerly Invitae), Labcorp
Classification: Uncertain significance for Aortic aneurysm, familial thoracic 4. Last evaluated: 2025-01-27. Review status: criteria provided, single submitter. Criteria: Invitae Variant Classification Sherloc (09022015). Collection method: clinical testing. Allele origin: germline.
Comment: This sequence change replaces valine, which is neutral and non-polar, with alanine, which is neutral and non-polar, at codon 414 of the MYH11 protein (p.Val414Ala). This variant is not present in population databases (gnomAD no frequency). This variant has not been reported in the literature in individuals affected with MYH11-related conditions. ClinVar contains an entry for this variant (Variation ID: 263969). Invitae Evidence Modeling of protein sequence and biophysical properties (such as structural, functional, and spatial information, amino acid conservation, physicochemical variation, residue mobility, and thermodynamic stability) indicates that this missense variant is not expected to disrupt MYH11 protein function with a negative predictive value of 95%. In summary, the available evidence is currently insufficient to determine the role of this variant in disease. Therefore, it has been classified as a Variant of Uncertain Significance.

All of Us Research Program, National Institutes of Health
Classification: Uncertain significance for Familial thoracic aortic aneurysm and aortic dissection. Last evaluated: 2024-06-09. Review status: criteria provided, single submitter. Criteria: ACMG Guidelines, 2015. Collection method: clinical testing. Allele origin: germline. Inheritance: Autosomal dominant inheritance. Observed: 2 variant alleles, 2 heterozygotes.
Comment: This missense variant replaces valine with alanine at codon 414 of the MYH11 protein. Computational prediction tools and conservation analyses are inconclusive regarding the impact of this variant on the protein function. Computational splicing tools suggest that this variant may not impact RNA splicing. To our knowledge, functional assays have not been performed for this variant nor has this variant been reported in individuals affected with cardiovascular disorders in the literature. This variant has not been identified in the general population by the Genome Aggregation Database (gnomAD). Available evidence is insufficient to determine the role of this variant in disease conclusively. Therefore, this variant is classified as a Variant of Uncertain Significance.

This study involves interpretation of variants in research participants for the purpose of population health screening. Participant phenotype was not available at the time of variant classification. Additional details can be found in publication PMID: 35346344, PMCID: PMC8962531

Color Diagnostics, LLC DBA Color Health
Classification: Uncertain significance for Familial thoracic aortic aneurysm and aortic dissection. Last evaluated: 2024-03-06. Review status: criteria provided, single submitter. Criteria: ACMG Guidelines, 2015. Collection method: clinical testing. Allele origin: germline.
Comment: This missense variant replaces valine with alanine at codon 414 of the MYH11 protein. Computational prediction suggests that this variant may not impact protein structure and function (internally defined REVEL score threshold <= 0.5, PMID: 27666373). To our knowledge, functional studies have not been reported for this variant. This variant has not been reported in individuals affected with MYH11-related disorders in the literature. This variant has not been identified in the general population by the Genome Aggregation Database (gnomAD). The available evidence is insufficient to determine the role of this variant in disease conclusively. Therefore, this variant is classified as a Variant of Uncertain Significance.

Fulgent Genetics
Classification: Uncertain significance for Aortic aneurysm, familial thoracic 4; Visceral myopathy 2; Megacystis-microcolon-intestinal hypoperistalsis syndrome 2. Last evaluated: 2021-10-25. Review status: criteria provided, single submitter. Criteria: ACMG Guidelines, 2015. Collection method: clinical testing. Allele origin: unknown.

Illumina Laboratory Services, Illumina
Classification: Uncertain significance for Aortic aneurysm, familial thoracic 4. Last evaluated: 2018-01-13. Review status: criteria provided, single submitter. Criteria: ICSL Variant Classification Criteria 13 December 2019. Collection method: clinical testing. Allele origin: germline.

NM_002474.3(MYH11):c.1220T>C (p.Val407Ala)

Gene: MYH11 (myosin heavy chain 11; minus strand). Cytogenetic location: 16p13.11.
Variant type: single nucleotide variant.
Coding change: c.1220T>C on transcript NM_002474.3 (MANE Select); coding-DNA position 1220, T replaced by C.
Protein change: p.Val407Ala; replaces valine 407 with alanine.
Molecular consequence: missense variant.
Genome position (GRCh38, 1-based): chr16:15,760,568, A>G on the plus strand (T>C on the coding strand, the complement: MYH11 is on the minus strand). VCF-style: chr16-15760568-A-G. GRCh37 (hg19) VCF-style: chr16-15854425-A-G.
Other names: c.1241T>C, p.Val414Ala (NM_001040113.2, NM_001040114.2); c.1220T>C, p.Val407Ala (NM_022844.3); short protein forms V407A, V414A.
Identifiers: ClinVar variation 263969 (VCV000263969.21), dbSNP rs886038993, ClinGen allele CA10587897.